The following is an entry in ClinVar:

NM_001378030.1(CCDC78):c.1341T>C (p.Gly447=)

Gene: CCDC78 (coiled-coil domain containing 78; minus strand). Cytogenetic location: 16p13.3.
Variant type: single nucleotide variant.
Coding change: c.1341T>C on transcript NM_001378030.1 (MANE Select); coding-DNA position 1341, T replaced by C.
Protein change: p.Gly447=; no amino-acid change (glycine 447 retained).
Molecular consequence: synonymous variant. On other transcripts: 3 prime UTR variant (1), non-coding transcript variant (5).
Genome position (GRCh38, 1-based): chr16:722,750, A>G on the plus strand (T>C on the coding strand, the complement: CCDC78 is on the minus strand). VCF-style: chr16-722750-A-G. GRCh37 (hg19) VCF-style: chr16-772750-A-G.
Other names: c.*20T>C (NM_001031737.3); c.1161T>C, p.Gly387= (NM_001378031.1); c.774T>C, p.Gly258= (NM_001378033.1).
Identifiers: ClinVar variation 4822798 (VCV004822798.4).
Genomic context (GRCh38, chr16:722,750, plus strand): 5'-GGTCCTTGGATGCTGGGGCTTGGCTGGAGGCACAGCCCCCACTTTCCAGGGGTCCCCTGC[A>G]CCTGCCAGCTTCCTCAGCCTCAGGATTTCGTGCTTGTACCTGCTCAGAGGAACCATGCTT-3'
Protein context (NP_001364959.1, residues 437-457): HEILRLRKLA[Gly447=]AGDPWKVGAV

ClinVar aggregate classification (germline): Likely benign (1 of 4 stars; one submission).

Submission:

CeGaT Center for Human Genetics Tuebingen
Classification: Likely benign. Last evaluated: 2025-12-01. Review status: criteria provided, single submitter. Criteria: CeGaT Center For Human Genetics Tuebingen Variant Classification Criteria Version 2. Collection method: clinical testing. Allele origin: germline. Affected: yes. Observed: 1 variant allele.
Comment: CCDC78: BP4, BP7